The following is an entry in ClinVar:

NM_015602.4(TOR1AIP1):c.142C>T (p.Pro48Ser)

Genes: TOR1AIP1 (torsin 1A interacting protein 1; plus strand), LOC112577517 (Sharpr-MPRA regulatory region 13766; plus strand). Cytogenetic location: 1q25.2.
Variant type: single nucleotide variant.
Coding change: c.142C>T on transcript NM_015602.4 (MANE Select); coding-DNA position 142, C replaced by T.
Protein change: p.Pro48Ser; replaces proline 48 with serine.
Molecular consequence: missense variant.
Genome position (GRCh38, 1-based): chr1:179,882,644, C>T. VCF-style: chr1-179882644-C-T. GRCh37 (hg19) VCF-style: chr1-179851779-C-T.
Other names: c.142C>T, p.Pro48Ser (NM_001267578.2); short protein forms P48S.
Identifiers: ClinVar variation 542851 (VCV000542851.6), dbSNP rs765495241, ClinGen allele CA1268667.

ClinVar aggregate classification (germline): Uncertain significance (1 of 4 stars; one submission).

Conditions:
Autosomal recessive limb-girdle muscular dystrophy type 2Y (MRRSDC). Also called: Muscular dystrophy, limb-girdle, type 2y; Muscular dystrophy, autosomal recessive, with rigid spine and distal joint contractures. Identifiers: Orphanet 424261, MedGen C4511482, MONDO:0014900, OMIM 617072.

Allele frequency attached by ClinVar (database versions not stated): gnomAD 0.00001; TOPMed below 0.00001; ExAC 0.00001.
gnomAD v4.1: 6 of 1,573,322 alleles (0.00038%); highest among the groups gnomAD compares: Middle Eastern, 0.017%; no homozygotes.

Submission:

Labcorp Genetics (formerly Invitae), Labcorp
Classification: Uncertain significance for Autosomal recessive limb-girdle muscular dystrophy type 2Y. Last evaluated: 2024-02-24. Review status: criteria provided, single submitter. Criteria: Invitae Variant Classification Sherloc (09022015). Collection method: clinical testing. Allele origin: germline.
Comment: This sequence change replaces proline, which is neutral and non-polar, with serine, which is neutral and polar, at codon 48 of the TOR1AIP1 protein (p.Pro48Ser). This variant is present in population databases (rs765495241, gnomAD 0.001%). This variant has not been reported in the literature in individuals affected with TOR1AIP1-related conditions. ClinVar contains an entry for this variant (Variation ID: 542851). Algorithms developed to predict the effect of missense changes on protein structure and function output the following: SIFT: "Not Available"; PolyPhen-2: "Benign"; Align-GVGD: "Not Available". The serine amino acid residue is found in multiple mammalian species, which suggests that this missense change does not adversely affect protein function. In summary, the available evidence is currently insufficient to determine the role of this variant in disease. Therefore, it has been classified as a Variant of Uncertain Significance.